The following is an entry in ClinVar:

NM_052876.4(NACC1):c.902G>A (p.Cys301Tyr)

Gene: NACC1 (nucleus accumbens associated 1; plus strand). Cytogenetic location: 19p13.13.
Variant type: single nucleotide variant.
Coding change: c.902G>A on transcript NM_052876.4 (MANE Select); coding-DNA position 902, G replaced by A.
Protein change: p.Cys301Tyr; replaces cysteine 301 with tyrosine.
Molecular consequence: missense variant.
Genome position (GRCh38, 1-based): chr19:13,136,109, G>A. VCF-style: chr19-13136109-G-A. GRCh37 (hg19) VCF-style: chr19-13246923-G-A.
Other names: short protein forms C301Y.
Identifiers: ClinVar variation 4747935 (VCV004747935.1).

ClinVar aggregate classification (germline): Uncertain significance (1 of 4 stars; one submission).

gnomAD v4.1: 2 of 1,613,754 alleles (0.00012%); highest among the groups gnomAD compares: Non-Finnish European, 0.00017%; no homozygotes.

Submission:

Labcorp Genetics (formerly Invitae), Labcorp
Classification: Uncertain significance. Last evaluated: 2025-10-23. Review status: criteria provided, single submitter. Criteria: Invitae Variant Classification Sherloc (09022015). Collection method: clinical testing. Allele origin: germline.
Comment: This sequence change replaces cysteine, which is neutral and slightly polar, with tyrosine, which is neutral and polar, at codon 301 of the NACC1 protein (p.Cys301Tyr). This variant is not present in population databases (gnomAD no frequency). This variant has not been reported in the literature in individuals affected with NACC1-related conditions. Invitae Evidence Modeling of protein sequence and biophysical properties (such as structural, functional, and spatial information, amino acid conservation, physicochemical variation, residue mobility, and thermodynamic stability) indicates that this missense variant is not expected to disrupt NACC1 protein function with a negative predictive value of 80%. In summary, the available evidence is currently insufficient to determine the role of this variant in disease. Therefore, it has been classified as a Variant of Uncertain Significance.